The following is an entry in ClinVar:

NM_017654.4(SAMD9):c.4510A>T (p.Lys1504Ter)

Gene: SAMD9 (sterile alpha motif domain containing 9; minus strand). Cytogenetic location: 7q21.2.
Variant type: single nucleotide variant.
Coding change: c.4510A>T on transcript NM_017654.4 (MANE Select); coding-DNA position 4510, A replaced by T.
Protein change: p.Lys1504Ter; replaces lysine 1504 with a stop codon.
Molecular consequence: nonsense.
Genome position (GRCh38, 1-based): chr7:93,101,588, T>A on the plus strand (A>T on the coding strand, the complement: SAMD9 is on the minus strand). VCF-style: chr7-93101588-T-A. GRCh37 (hg19) VCF-style: chr7-92730901-T-A.
Other names: c.4510A>T, p.Lys1504Ter (NM_001193307.2); c.4510A>T (NM_017654.3); short protein forms K1504*.
Identifiers: ClinVar variation 1495072 (VCV001495072.8), dbSNP rs376666275, ClinGen allele CA4342543.
Genomic context (GRCh38, chr7:93,101,588, plus strand): 5'-GGACTTTTTCCTCCTTCCACACATCTCCACTCTGCCACAAGGAATTAATATCTGGTGTCT[T>A]CTTAAAGCACTGGTCAATTTTTCCTTTGTGAACAAGTCTTTCCAGTCTTTTACCTTTTCC-3'

ClinVar aggregate classification (germline): Uncertain significance. Review status: criteria provided, multiple submitters, no conflicts (2 of 4 stars). 3 submissions from 3 submitters: Uncertain significance (3). Last evaluated 2025-05-05.

Allele frequency attached by ClinVar (database versions not stated): gnomAD exomes below 0.00001; TOPMed below 0.00001; ExAC 0.00001; gnomAD 0.00001; ESP Exome Variant Server 0.00008.
gnomAD v4.1: 2 of 1,613,818 alleles (0.00012%); highest among the groups gnomAD compares: Non-Finnish European, 0.00017%; no homozygotes.

Submissions (3):

Women's Health and Genetics/Laboratory Corporation of America, LabCorp
Classification: Uncertain significance. Last evaluated: 2025-05-05. Review status: criteria provided, single submitter. Criteria: LabCorp Variant Classification Summary - May 2015. Collection method: clinical testing. Allele origin: germline.
Comment: Variant summary: SAMD9 c.4510A>T (p.Lys1504X) results in a premature termination codon, predicted to cause a truncation of the encoded protein or absence of the protein due to nonsense mediated decay, however current evidence is not sufficient to establish loss of function as a mechanism for disease. The variant allele was found at a frequency of 4e-06 in 250966 control chromosomes. The available data on variant occurrences in the general population are insufficient to allow any conclusion about variant significance. To our knowledge, no occurrence of c.4510A>T in individuals affected with MIRAGE Syndrome and no experimental evidence demonstrating its impact on protein function have been reported. ClinVar contains an entry for this variant (Variation ID: 1495072). Based on the evidence outlined above, the variant was classified as uncertain significance.

Labcorp Genetics (formerly Invitae), Labcorp
Classification: Uncertain significance. Last evaluated: 2024-12-03. Review status: criteria provided, single submitter. Criteria: Invitae Variant Classification Sherloc (09022015). Collection method: clinical testing. Allele origin: germline.
Comment: This sequence change creates a premature translational stop signal (p.Lys1504*) in the SAMD9 gene. While this is not anticipated to result in nonsense mediated decay, it is expected to disrupt the last 86 amino acid(s) of the SAMD9 protein. This variant is present in population databases (rs376666275, gnomAD 0.002%). This variant has not been reported in the literature in individuals affected with SAMD9-related conditions. ClinVar contains an entry for this variant (Variation ID: 1495072). In summary, the available evidence is currently insufficient to determine the role of this variant in disease. Therefore, it has been classified as a Variant of Uncertain Significance.

GeneDx
Classification: Uncertain significance. Last evaluated: 2024-09-10. Review status: criteria provided, single submitter. Criteria: GeneDx Variant Classification Process June 2021. Collection method: clinical testing. Allele origin: germline. Affected: yes.
Comment: Not observed at significant frequency in large population cohorts (gnomAD); Has not been previously published as pathogenic or benign to our knowledge; Nonsense variant predicted to result in protein truncation as the last 86 amino acids are lost with an unclear effect on protein function